The following is an entry in ClinVar:

ClinVar aggregate classification (germline): Pathogenic. Review status: criteria provided, multiple submitters, no conflicts (2 of 4 stars). 2 submissions from 2 submitters: Pathogenic (2). Last evaluated 2023-05-19.

Conditions:
Hereditary cancer-predisposing syndrome. Also called: Neoplastic Syndromes, Hereditary; Hereditary Cancer Syndrome; Hereditary neoplastic syndrome; Tumor predisposition. Identifiers: Orphanet 140162, MedGen C0027672, MeSH D009386, MONDO:0015356.
Familial cancer of breast. Also called: Hereditary breast cancer; hereditary breast carcinoma; BREAST CANCER, FAMILIAL. Identifiers: Orphanet 227535, MedGen C0346153, MONDO:0016419, OMIM 114480. Disease mechanism: loss of function.

Submissions (2):

Myriad Genetics, Inc.
Classification: Pathogenic for Familial cancer of breast. Last evaluated: 2023-05-19. Review status: criteria provided, single submitter. Criteria: Myriad Autosomal Dominant, Autosomal Recessive and X-Linked Classification Criteria (2023). Collection method: clinical testing. Allele origin: unknown.
Comment: This variant is considered pathogenic. This variant creates a termination codon and is predicted to result in premature protein truncation.

Ambry Genetics
Classification: Pathogenic for Hereditary cancer-predisposing syndrome. Last evaluated: 2023-05-18. Review status: criteria provided, single submitter. Criteria: Ambry Variant Classification Scheme 2023. Collection method: clinical testing. Allele origin: germline.
Comment: The p.K321* pathogenic mutation (also known as c.961A>T), located in coding exon 4 of the BARD1 gene, results from an A to T substitution at nucleotide position 961. This changes the amino acid from a lysine to a stop codon within coding exon 4. This variant is considered to be rare based on population cohorts in the Genome Aggregation Database (gnomAD). This alteration is expected to result in loss of function by premature protein truncation or nonsense-mediated mRNA decay. As such, this alteration is interpreted as a disease-causing mutation.

NM_000465.4(BARD1):c.961A>T (p.Lys321Ter)

Gene: BARD1 (BRCA1 associated RING domain 1; minus strand). Cytogenetic location: 2q35.
Variant type: single nucleotide variant.
Coding change: c.961A>T on transcript NM_000465.4 (MANE Select); coding-DNA position 961, A replaced by T.
Protein change: p.Lys321Ter; replaces lysine 321 with a stop codon.
Molecular consequence: nonsense. On other transcripts: non-coding transcript variant (2), intron variant (3).
Genome position (GRCh38, 1-based): chr2:214,780,913, T>A on the plus strand (A>T on the coding strand, the complement: BARD1 is on the minus strand). VCF-style: chr2-214780913-T-A. GRCh37 (hg19) VCF-style: chr2-215645637-T-A.
Other names: c.904A>T, p.Lys302Ter (NM_001282543.2); c.159-28358A>T (NM_001282548.2); c.215+16148A>T (NM_001282545.2); c.364+11384A>T (NM_001282549.2); short protein forms K302*, K321*.
Identifiers: ClinVar variation 2565203 (VCV002565203.4), dbSNP rs2469506085, ClinGen allele CA350454706.